The following is an entry in ClinVar:

NM_004431.5(EPHA2):c.576C>T (p.Leu192=)

Gene: EPHA2 (EPH receptor A2; minus strand). Cytogenetic location: 1p36.13.
Variant type: single nucleotide variant.
Coding change: c.576C>T on transcript NM_004431.5 (MANE Select); coding-DNA position 576, C replaced by T.
Protein change: p.Leu192=; no amino-acid change (leucine 192 retained).
Molecular consequence: synonymous variant.
Genome position (GRCh38, 1-based): chr1:16,148,625, G>A on the plus strand (C>T on the coding strand, the complement: EPHA2 is on the minus strand). VCF-style: chr1-16148625-G-A. GRCh37 (hg19) VCF-style: chr1-16475120-G-A.
Other names: c.414C>T, p.Leu138= (NM_001329090.2).
Identifiers: ClinVar variation 4993497 (VCV004993497.1).

ClinVar aggregate classification (germline): Likely benign (1 of 4 stars; one submission).

Conditions:
EPHA2-related disorder. Also called: EPHA2-related condition.

Submission:

PreventionGenetics, part of Exact Sciences
Classification: Likely benign for EPHA2-related condition. Last evaluated: 2025-11-10. Review status: criteria provided, single submitter. Criteria: ACMG Guidelines, 2015. Collection method: clinical testing. Allele origin: germline.
Comment: This variant is classified as likely benign based on ACMG/AMP sequence variant interpretation guidelines (Richards et al. 2015 PMID: 25741868, with internal and published modifications).